The following is an entry in ClinVar:

ClinVar aggregate classification (germline): Uncertain significance (1 of 4 stars; one submission).

Submission:

GeneDx
Classification: Uncertain significance. Last evaluated: 2020-03-07. Review status: criteria provided, single submitter. Criteria: GeneDx Variant Classification Process June 2021. Collection method: clinical testing. Allele origin: germline. Affected: yes.
Comment: Not observed in large population cohorts (Lek et al., 2016); In silico analysis supports that this missense variant has a deleterious effect on protein structure/function; Has not been previously published as pathogenic or benign to our knowledge

NM_006035.4(CDC42BPB):c.1631A>G (p.Glu544Gly)

Gene: CDC42BPB (CDC42 binding protein kinase beta; minus strand). Cytogenetic location: 14q32.32.
Variant type: single nucleotide variant.
Coding change: c.1631A>G on transcript NM_006035.4 (MANE Select); coding-DNA position 1631, A replaced by G.
Protein change: p.Glu544Gly; replaces glutamic acid 544 with glycine.
Molecular consequence: missense variant.
Genome position (GRCh38, 1-based): chr14:102,974,026, T>C on the plus strand (A>G on the coding strand, the complement: CDC42BPB is on the minus strand). VCF-style: chr14-102974026-T-C. GRCh37 (hg19) VCF-style: chr14-103440363-T-C.
Other names: short protein forms E544G.
Identifiers: ClinVar variation 1315426 (VCV001315426.2), dbSNP rs763896010, ClinGen allele CA391088751.